The following is an entry in ClinVar:

NM_007294.4(BRCA1):c.5153-12T>C

Gene: BRCA1 (BRCA1 DNA repair associated; minus strand). Cytogenetic location: 17q21.31.
Variant type: single nucleotide variant.
Coding change: c.5153-12T>C on transcript NM_007294.4 (MANE Select); 12 bases into the intron before coding-DNA position 5153, T replaced by C.
Molecular consequence: intron variant.
Genome position (GRCh38, 1-based): chr17:43,063,385, A>G on the plus strand (T>C on the coding strand, the complement: BRCA1 is on the minus strand). VCF-style: chr17-43063385-A-G. GRCh37 (hg19) VCF-style: chr17-41215402-A-G.
Other names: c.1700-12T>C (NM_001408458.1, NM_001408461.1, NM_001408464.1 and 7 more transcripts); c.4262-12T>C (NM_001407967.1); c.4772-12T>C (NM_001407959.1); c.4886-12T>C (NM_001407931.1, NM_001407932.1, NM_001407928.1 and 4 more transcripts); c.5009-12T>C (NM_001407747.1, NM_001407745.1, NM_001407737.1 and 21 more transcripts); c.4769-12T>C (NM_001407962.1, NM_001407960.1); c.1340-12T>C (NM_001408512.1); c.1463-12T>C (NM_001408510.1); and 72 more.
Identifiers: ClinVar variation 868751 (VCV000868751.3), dbSNP rs1567768851, ClinGen allele CA916080064.

Conditions:
Breast-ovarian cancer, familial, susceptibility to, 1 (BROVCA1). Also called: BRCA1 Hereditary Breast and Ovarian Cancer; OVARIAN CANCER, SUSCEPTIBILITY TO. Identifiers: Orphanet 145, MedGen C2676676, MONDO:0011450, OMIM 604370. Disease mechanism: loss of function.

Allele frequency attached by ClinVar (database versions not stated): gnomAD exomes below 0.00001.
gnomAD v4.1: 2 of 1,609,338 alleles (0.00012%); highest among the groups gnomAD compares: Non-Finnish European, 0.00017%; no homozygotes.

Submission:

Brotman Baty Institute, University of Washington
No classification provided (evidence only). Condition: Breast-ovarian cancer, familial 1. Review status: no classification provided. Collection method: in vitro. Allele origin: not applicable. Functional consequence: functionally_normal.
ClinVar note: "not provided" was previously submitted as the classification for the variant. However, the classification appeared to be based only on an observation of functional data so it was converted to no classification on 2025-07-30.